The following is an entry in ClinVar:

NM_016599.5(MYOZ2):c.376+176G>A

Gene: MYOZ2 (myozenin 2; plus strand). Cytogenetic location: 4q26.
Variant type: single nucleotide variant.
Coding change: c.376+176G>A on transcript NM_016599.5 (MANE Select); 176 bases into the intron after coding-DNA position 376, G replaced by A.
Molecular consequence: intron variant.
Genome position (GRCh38, 1-based): chr4:119,158,327, G>A. VCF-style: chr4-119158327-G-A. GRCh37 (hg19) VCF-style: chr4-120079482-G-A.
Identifiers: ClinVar variation 674102 (VCV000674102.1), dbSNP rs115337433, ClinGen allele CA104971244.

ClinVar aggregate classification (germline): Benign (1 of 4 stars; one submission).

Allele frequency attached by ClinVar (database versions not stated): gnomAD 0.02009 and 0.02162; 1000 Genomes Project 0.02216; 1000 Genomes Project 30x 0.02327; TOPMed 0.02345.
gnomAD v4.1: 3,030 of 152,216 alleles (2%); highest among the groups gnomAD compares: African/African-American, 6.9%; 98 homozygotes.

Submission:

GeneDx
Classification: Benign. Last evaluated: 2018-06-19. Review status: criteria provided, single submitter. Criteria: GeneDx Variant Classification (06012015). Collection method: clinical testing. Allele origin: germline. Affected: yes.
Comment: This variant is considered likely benign or benign based on one or more of the following criteria: it is a conservative change, it occurs at a poorly conserved position in the protein, it is predicted to be benign by multiple in silico algorithms, and/or has population frequency not consistent with disease.